The following is an entry in ClinVar:

ClinVar aggregate classification (germline): Uncertain significance (1 of 4 stars; one submission).

Allele frequency attached by ClinVar (database versions not stated): gnomAD exomes 0.00001; ExAC 0.00004; gnomAD 0.00001; TOPMed 0.00001.
gnomAD v4.1: 15 of 1,614,188 alleles (0.00093%); highest among the groups gnomAD compares: East Asian, 0.0067%; no homozygotes.

Submission:

Labcorp Genetics (formerly Invitae), Labcorp
Classification: Uncertain significance. Last evaluated: 2025-05-19. Review status: criteria provided, single submitter. Criteria: Invitae Variant Classification Sherloc (09022015). Collection method: clinical testing. Allele origin: germline.
Comment: This sequence change replaces threonine, which is neutral and polar, with methionine, which is neutral and non-polar, at codon 244 of the LRRC10 protein (p.Thr244Met). This variant is present in population databases (rs775363286, gnomAD 0.006%). This variant has not been reported in the literature in individuals affected with LRRC10-related conditions. ClinVar contains an entry for this variant (Variation ID: 2731927). An algorithm developed to predict the effect of missense changes on protein structure and function (PolyPhen-2) suggests that this variant is likely to be disruptive. In summary, the available evidence is currently insufficient to determine the role of this variant in disease. Therefore, it has been classified as a Variant of Uncertain Significance.

NM_201550.4(LRRC10):c.731C>T (p.Thr244Met)

Gene: LRRC10 (leucine rich repeat containing 10; minus strand). Cytogenetic location: 12q15.
Variant type: single nucleotide variant.
Coding change: c.731C>T on transcript NM_201550.4 (MANE Select); coding-DNA position 731, C replaced by T.
Protein change: p.Thr244Met; replaces threonine 244 with methionine.
Molecular consequence: missense variant.
Genome position (GRCh38, 1-based): chr12:69,610,108, G>A on the plus strand (C>T on the coding strand, the complement: LRRC10 is on the minus strand). VCF-style: chr12-69610108-G-A. GRCh37 (hg19) VCF-style: chr12-70003888-G-A.
Other names: short protein forms T244M.
Identifiers: ClinVar variation 2731927 (VCV002731927.3), dbSNP rs775363286, ClinGen allele CA6681010.